The following is an entry in ClinVar:

ClinVar aggregate classification (germline): Uncertain significance. Review status: criteria provided, multiple submitters, no conflicts (2 of 4 stars). 2 submissions from 2 submitters: Uncertain significance (2). Last evaluated 2025-10-21.

Conditions:
Agammaglobulinemia 2, autosomal recessive (AGM2). Also called: AGAMMAGLOBULINEMIA, AUTOSOMAL RECESSIVE, DUE TO IGLL1 DEFECT. Identifiers: MedGen C3150750, MONDO:0013287, OMIM 613500.

Allele frequency attached by ClinVar (database versions not stated): gnomAD 0.00006 and 0.00008; gnomAD exomes 0.00007 and 0.00010; ESP Exome Variant Server 0.00008; TOPMed 0.00008; ExAC 0.00011; 1000 Genomes Project 0.00020; 1000 Genomes Project 30x 0.00047.
gnomAD v4.1: 169 of 1,613,726 alleles (0.01%); highest among the groups gnomAD compares: Middle Eastern, 0.033%; no homozygotes.

Submissions (2):

Labcorp Genetics (formerly Invitae), Labcorp
Classification: Uncertain significance for Agammaglobulinemia 2, autosomal recessive. Last evaluated: 2025-10-21. Review status: criteria provided, single submitter. Criteria: Invitae Variant Classification Sherloc (09022015). Collection method: clinical testing. Allele origin: germline.
Comment: This sequence change replaces leucine, which is neutral and non-polar, with proline, which is neutral and non-polar, at codon 126 of the IGLL1 protein (p.Leu126Pro). This variant is present in population databases (rs142959335, gnomAD 0.06%). This variant has not been reported in the literature in individuals affected with IGLL1-related conditions. ClinVar contains an entry for this variant (Variation ID: 569973). An algorithm developed to predict the effect of missense changes on protein structure and function (PolyPhen-2) suggests that this variant is likely to be disruptive. In summary, the available evidence is currently insufficient to determine the role of this variant in disease. Therefore, it has been classified as a Variant of Uncertain Significance.

Ambry Genetics
Classification: Uncertain significance. Last evaluated: 2025-08-26. Review status: criteria provided, single submitter. Criteria: Ambry Variant Classification Scheme 2023. Collection method: clinical testing. Allele origin: germline.

NM_020070.4(IGLL1):c.377T>C (p.Leu126Pro)

Gene: IGLL1 (immunoglobulin lambda like polypeptide 1; minus strand). Cytogenetic location: 22q11.23.
Variant type: single nucleotide variant.
Coding change: c.377T>C on transcript NM_020070.4 (MANE Select); coding-DNA position 377, T replaced by C.
Protein change: p.Leu126Pro; replaces leucine 126 with proline.
Molecular consequence: missense variant. On other transcripts: 3 prime UTR variant (1).
Genome position (GRCh38, 1-based): chr22:23,573,531, A>G on the plus strand (T>C on the coding strand, the complement: IGLL1 is on the minus strand). VCF-style: chr22-23573531-A-G. GRCh37 (hg19) VCF-style: chr22-23915718-A-G.
Other names: c.380T>C, p.Leu127Pro (NM_001369906.1); c.*6T>C (NM_152855.3); c.377T>C (NM_020070.2); short protein forms L126P, L127P.
Identifiers: ClinVar variation 569973 (VCV000569973.14), dbSNP rs142959335, ClinGen allele CA10143287.
Genomic context (GRCh38, chr22:23,573,531, plus strand): 5'-GTCAAGATTCCCGGATAAAAGTCATTCATGAGACACACCAGTGTAGCCTTGTTGGCTTGG[A>G]GCTCCTCAGAGGACGGCGGGAACAGAGTGACCGAGGGGGTGGCCTTGGGCTGACCTGTGT-3'
Protein context (NP_064455.1, residues 116-136): VTLFPPSSEE[Leu126Pro]QANKATLVCL